The following is an entry in ClinVar:

ClinVar aggregate classification (germline): Likely benign. Review status: criteria provided, multiple submitters, no conflicts (2 of 4 stars). 2 submissions from 2 submitters: Likely benign (2). Last evaluated 2025-05-01.

Conditions:
Spastic paraplegia. Identifiers: MedGen C0037772, HP:0001258.

Allele frequency attached by ClinVar (database versions not stated): gnomAD exomes 0.00001; ExAC 0.00002.
gnomAD v4.1: 9 of 1,614,168 alleles (0.00056%); highest among the groups gnomAD compares: Middle Eastern, 0.016%; no homozygotes.

Submissions (2):

CeGaT Center for Human Genetics Tuebingen
Classification: Likely benign. Last evaluated: 2025-05-01. Review status: criteria provided, single submitter. Criteria: CeGaT Center For Human Genetics Tuebingen Variant Classification Criteria Version 2. Collection method: clinical testing. Allele origin: germline. Affected: yes. Observed: 1 variant allele.
Comment: ZFYVE26: BP4, BP7

Labcorp Genetics (formerly Invitae), Labcorp
Classification: Likely benign for Spastic paraplegia. Last evaluated: 2023-04-12. Review status: criteria provided, single submitter. Criteria: Invitae Variant Classification Sherloc (09022015). Collection method: clinical testing. Allele origin: germline.

NM_015346.4(ZFYVE26):c.601T>C (p.Leu201=)

Gene: ZFYVE26 (zinc finger FYVE-type containing 26; minus strand). Cytogenetic location: 14q24.1.
Variant type: single nucleotide variant.
Coding change: c.601T>C on transcript NM_015346.4 (MANE Select); coding-DNA position 601, T replaced by C.
Protein change: p.Leu201=; no amino-acid change (leucine 201 retained).
Molecular consequence: synonymous variant.
Genome position (GRCh38, 1-based): chr14:67,807,683, A>G on the plus strand (T>C on the coding strand, the complement: ZFYVE26 is on the minus strand). VCF-style: chr14-67807683-A-G. GRCh37 (hg19) VCF-style: chr14-68274400-A-G.
Identifiers: ClinVar variation 1093458 (VCV001093458.19), dbSNP rs750838440, ClinGen allele CA7240761.
Genomic context (GRCh38, chr14:67,807,683, plus strand): 5'-CTCCATAGATGGCATCGACTACCCCAGGGGGCACCGAATCAGGGCCCTGCAAAGCCCGCA[A>G]TGCCTTTCGAATGAGGTCCACCAGTGCATTCTGCAGAGGCCAGTGACAGAGGCCAGTACC-3'
Protein context (NP_056161.2, residues 191-211): NALVDLIRKA[Leu201=]RALQGPDSVP